The following is an entry in ClinVar:

ClinVar aggregate classification (germline): Uncertain significance (1 of 4 stars; one submission).

Allele frequency attached by ClinVar (database versions not stated): TOPMed below 0.00001; gnomAD exomes 0.00001.
gnomAD v4.1: 10 of 1,613,516 alleles (0.00062%); highest among the groups gnomAD compares: Non-Finnish European, 0.00085%; no homozygotes.

Submission:

Labcorp Genetics (formerly Invitae), Labcorp
Classification: Uncertain significance. Last evaluated: 2023-10-29. Review status: criteria provided, single submitter. Criteria: Invitae Variant Classification Sherloc (09022015). Collection method: clinical testing. Allele origin: germline.
Comment: This sequence change replaces alanine, which is neutral and non-polar, with threonine, which is neutral and polar, at codon 1238 of the ADAMTS13 protein (p.Ala1238Thr). This variant is not present in population databases (gnomAD no frequency). This variant has not been reported in the literature in individuals affected with ADAMTS13-related conditions. Algorithms developed to predict the effect of missense changes on protein structure and function output the following: SIFT: "Not Available"; PolyPhen-2: "Benign"; Align-GVGD: "Not Available". The threonine amino acid residue is found in multiple mammalian species, which suggests that this missense change does not adversely affect protein function. In summary, the available evidence is currently insufficient to determine the role of this variant in disease. Therefore, it has been classified as a Variant of Uncertain Significance.

NM_139027.6(ADAMTS13):c.3544G>A (p.Ala1182Thr)

Gene: ADAMTS13 (ADAM metallopeptidase with thrombospondin type 1 motif 13; plus strand). Cytogenetic location: 9q34.2.
Variant type: single nucleotide variant.
Coding change: c.3544G>A on transcript NM_139027.6 (MANE Select); coding-DNA position 3544, G replaced by A.
Protein change: p.Ala1182Thr; replaces alanine 1182 with threonine.
Molecular consequence: missense variant. On other transcripts: non-coding transcript variant (1).
Genome position (GRCh38, 1-based): chr9:133,456,212, G>A. VCF-style: chr9-133456212-G-A. GRCh37 (hg19) VCF-style: chr9-136321334-G-A.
Other names: c.3712G>A, p.Ala1238Thr (NM_139025.5); c.3451G>A, p.Ala1151Thr (NM_139026.6); short protein forms A1238T, A1151T, A1182T.
Identifiers: ClinVar variation 2787351 (VCV002787351.3), dbSNP rs1588209576, ClinGen allele CA375415747.